The following is an entry in ClinVar:

ClinVar aggregate classification (germline): Uncertain significance. Review status: criteria provided, multiple submitters, no conflicts (2 of 4 stars). 2 submissions from 2 submitters: Uncertain significance (2). Last evaluated 2022-04-29.

Conditions:
Alpha-methylacyl-CoA racemase deficiency (AMACRD). Also called: AMACR deficiency. Identifiers: Orphanet 79095, MedGen C3280428, MONDO:0013681, OMIM 614307. Disease mechanism: loss of function.
Inborn genetic diseases. Identifiers: MedGen C0950123, MeSH D030342.

Allele frequency attached by ClinVar (database versions not stated): gnomAD exomes 0.00001 and 0.00002; TOPMed 0.00001; ExAC 0.00002.
gnomAD v4.1: 13 of 1,614,206 alleles (0.00081%); highest among the groups gnomAD compares: Admixed American, 0.0067%; no homozygotes.

Submissions (2):

Labcorp Genetics (formerly Invitae), Labcorp
Classification: Uncertain significance for Alpha-methylacyl-CoA racemase deficiency. Last evaluated: 2022-04-29. Review status: criteria provided, single submitter. Criteria: Invitae Variant Classification Sherloc (09022015). Collection method: clinical testing. Allele origin: germline.
Comment: This sequence change replaces glycine, which is neutral and non-polar, with serine, which is neutral and polar, at codon 289 of the AMACR protein (p.Gly289Ser). This variant is present in population databases (rs766952450, gnomAD 0.009%). This variant has not been reported in the literature in individuals affected with AMACR-related conditions. Algorithms developed to predict the effect of missense changes on protein structure and function are either unavailable or do not agree on the potential impact of this missense change (SIFT: "Deleterious"; PolyPhen-2: "Benign"; Align-GVGD: "Class C0"). Algorithms developed to predict the effect of sequence changes on RNA splicing suggest that this variant may create or strengthen a splice site. In summary, the available evidence is currently insufficient to determine the role of this variant in disease. Therefore, it has been classified as a Variant of Uncertain Significance.

Ambry Genetics
Classification: Uncertain significance for Inborn genetic diseases. Last evaluated: 2021-03-26. Review status: criteria provided, single submitter. Criteria: Ambry Variant Classification Scheme 2023. Collection method: clinical testing. Allele origin: germline.
Comment: The c.865G>A (p.G289S) alteration is located in exon 5 (coding exon 5) of the AMACR gene. This alteration results from a G to A substitution at nucleotide position 865, causing the glycine (G) at amino acid position 289 to be replaced by a serine (S). The p.G289S alteration is predicted to be tolerated by in silico analysis. Based on insufficient or conflicting evidence, the clinical significance of this alteration remains unclear.

NM_014324.6(AMACR):c.865G>A (p.Gly289Ser)

Genes: AMACR (alpha-methylacyl-CoA racemase; minus strand), C1QTNF3-AMACR (C1QTNF3-AMACR readthrough (NMD candidate); minus strand). Cytogenetic location: 5p13.2.
Variant type: single nucleotide variant.
Coding change: c.865G>A on transcript NM_014324.6 (MANE Select); coding-DNA position 865, G replaced by A.
Protein change: p.Gly289Ser; replaces glycine 289 with serine.
Molecular consequence: missense variant. On other transcripts: non-coding transcript variant (1), 3 prime UTR variant (1).
Genome position (GRCh38, 1-based): chr5:33,989,377, C>T on the plus strand (G>A on the coding strand, the complement: AMACR is on the minus strand). VCF-style: chr5-33989377-C-T. GRCh37 (hg19) VCF-style: chr5-33989482-C-T.
Other names: c.865G>A, p.Gly289Ser (NM_001167595.2); c.*107G>A (NM_203382.3); c.865G>A (NM_014324.5); short protein forms G289S.
Identifiers: ClinVar variation 1521203 (VCV001521203.5), dbSNP rs766952450, ClinGen allele CA3226005.
Genomic context (GRCh38, chr5:33,989,377, plus strand): 5'-TGTGATCATGATGAACAACCTCCTCAAAAGTCAGAACCGGAGTCACACAGGCATCTGTGC[C>T]GTCAAAGATTTGACACCACTCTGCCTTCGTCTTCTCTGCAAATACATCTGCAAACTTCTT-3'
Protein context (NP_055139.4, residues 279-299): TKAEWCQIFD[Gly289Ser]TDACVTPVLT